The following is an entry in ClinVar:

ClinVar aggregate classification (germline): Conflicting classifications of pathogenicity. Review status: criteria provided, conflicting classifications (1 of 4 stars). 3 submissions from 3 submitters: Uncertain significance (2); Likely benign (1). Last evaluated 2025-04-16.

Conditions:
Hereditary nonpolyposis colorectal neoplasms. Identifiers: MedGen C0009405, MeSH D003123.
Hereditary cancer-predisposing syndrome. Also called: Hereditary neoplastic syndrome; Hereditary Cancer Syndrome; Neoplastic Syndromes, Hereditary; Tumor predisposition. Identifiers: Orphanet 140162, MedGen C0027672, MeSH D009386, MONDO:0015356.

Allele frequency attached by ClinVar (database versions not stated): gnomAD exomes below 0.00001; ExAC 0.00001.
gnomAD v4.1: 3 of 1,614,170 alleles (0.00019%); highest among the groups gnomAD compares: Non-Finnish European, 0.000085%; no homozygotes.

Submissions (3):

Labcorp Genetics (formerly Invitae), Labcorp
Classification: Likely benign for Hereditary nonpolyposis colorectal neoplasms. Last evaluated: 2025-04-16. Review status: criteria provided, single submitter. Criteria: Invitae Variant Classification Sherloc (09022015). Collection method: clinical testing. Allele origin: germline.

GeneDx
Classification: Uncertain significance. Last evaluated: 2023-09-20. Review status: criteria provided, single submitter. Criteria: GeneDx Variant Classification Process June 2021. Collection method: clinical testing. Allele origin: germline. Affected: yes.
Comment: Not observed at significant frequency in large population cohorts (gnomAD); In silico analysis supports that this missense variant does not alter protein structure/function; Observed in unaffected controls and not observed in any breast cancer cases (Dorling et al., 2021); This variant is associated with the following publications: (PMID: 17531815, 21120944, 33471991)

Ambry Genetics
Classification: Uncertain significance for Hereditary cancer-predisposing syndrome. Last evaluated: 2023-08-25. Review status: criteria provided, single submitter. Criteria: Ambry Variant Classification Scheme 2023. Collection method: clinical testing. Allele origin: germline.
Comment: The p.V398L variant (also known as c.1192G>T), located in coding exon 4 of the MSH6 gene, results from a G to T substitution at nucleotide position 1192. The valine at codon 398 is replaced by leucine, an amino acid with highly similar properties. This variant was reported in 0/60,466 breast cancer cases and in 2/53,461 controls (Dorling et al. N Engl J Med. 2021 02;384:428-439). This amino acid position is highly conserved in available vertebrate species. In addition, this alteration is predicted to be deleterious by in silico analysis. Since supporting evidence is limited at this time, the clinical significance of this alteration remains unclear.

Literature cited by the submitters: PubMed 33471991 (cited by Ambry Genetics).

NM_000179.3(MSH6):c.1192G>T (p.Val398Leu)

Gene: MSH6 (mutS homolog 6; plus strand). Cytogenetic location: 2p16.3.
Variant type: single nucleotide variant.
Coding change: c.1192G>T on transcript NM_000179.3 (MANE Select); coding-DNA position 1192, G replaced by T.
Protein change: p.Val398Leu; replaces valine 398 with leucine.
Molecular consequence: missense variant.
Genome position (GRCh38, 1-based): chr2:47,799,175, G>T. VCF-style: chr2-47799175-G-T. GRCh37 (hg19) VCF-style: chr2-48026314-G-T.
Other names: c.802G>T, p.Val268Leu (NM_001281492.2); c.286G>T, p.Val96Leu (NM_001281493.2, NM_001281494.2); short protein forms V268L, V96L, V398L.
Identifiers: ClinVar variation 1403905 (VCV001403905.10), dbSNP rs780350978, ClinGen allele CA067302.